The following is an entry in ClinVar:

ClinVar aggregate classification (germline): Uncertain significance. Review status: criteria provided, single submitter (1 of 4 stars). 2 submissions from 2 submitters: Uncertain significance (1). 1 of the submissions does not count toward it. Last evaluated 2025-08-19.

Conditions:
Hereditary cancer-predisposing syndrome. Also called: Neoplastic Syndromes, Hereditary; Tumor predisposition; Hereditary Cancer Syndrome; Hereditary neoplastic syndrome. Identifiers: Orphanet 140162, MedGen C0027672, MeSH D009386, MONDO:0015356.
Malignant tumor of urinary bladder. Also called: Bladder cancer; Urinary bladder cancer; Urinary Bladder Neoplasms. Identifiers: MedGen C0005684, MONDO:0001187, OMIM 109800.

Submissions (2):

Ambry Genetics
Classification: Uncertain significance for Hereditary cancer-predisposing syndrome. Last evaluated: 2025-08-19. Review status: criteria provided, single submitter. Criteria: Ambry Variant Classification Scheme 2023. Collection method: clinical testing. Allele origin: germline.
Comment: The p.G452R variant (also known as c.1354G>C), located in coding exon 12 of the TSC1 gene, results from a G to C substitution at nucleotide position 1354. The glycine at codon 452 is replaced by arginine, an amino acid with dissimilar properties. This amino acid position is well conserved in available vertebrate species. In addition, the in silico prediction for this alteration is inconclusive. Based on the available evidence, the clinical significance of this variant remains unclear.

Tuberous sclerosis database (TSC1)
No classification provided. Condition: Bladder cancer. Review status: no classification provided. Criteria: Tuberous Sclerosis Database Assertion Criteria 2015. Collection method: curation. Allele origin: germline. Affected: yes. Not counted in ClinVar's aggregate classification.

NM_000368.5(TSC1):c.1354G>C (p.Gly452Arg)

Gene: TSC1 (TSC complex subunit 1; minus strand). Cytogenetic location: 9q34.13.
Variant type: single nucleotide variant.
Coding change: c.1354G>C on transcript NM_000368.5 (MANE Select); coding-DNA position 1354, G replaced by C.
Protein change: p.Gly452Arg; replaces glycine 452 with arginine.
Molecular consequence: missense variant.
Genome position (GRCh38, 1-based): chr9:132,906,815, C>G on the plus strand (G>C on the coding strand, the complement: TSC1 is on the minus strand). VCF-style: chr9-132906815-C-G. GRCh37 (hg19) VCF-style: chr9-135782202-C-G.
Other names: c.1351G>C, p.Gly451Arg (NM_001162426.2); c.1201G>C, p.Gly401Arg (NM_001162427.2); c.991G>C, p.Gly331Arg (NM_001362177.2); short protein forms G452R, G331R, G401R, G451R.
Identifiers: ClinVar variation 48771 (VCV000048771.3), dbSNP rs118203519, ClinGen allele CA004699.